The following is an entry in ClinVar:

NM_020778.5(ALPK3):c.4130-210G>C

Gene: ALPK3 (alpha kinase 3; plus strand). Cytogenetic location: 15q25.3.
Variant type: single nucleotide variant.
Coding change: c.4130-210G>C on transcript NM_020778.5 (MANE Select); 210 bases into the intron before coding-DNA position 4130, G replaced by C.
Molecular consequence: intron variant.
Genome position (GRCh38, 1-based): chr15:84,862,425, G>C. VCF-style: chr15-84862425-G-C. GRCh37 (hg19) VCF-style: chr15-85405656-G-C.
Identifiers: ClinVar variation 678442 (VCV000678442.1), dbSNP rs11857540, ClinGen allele CA14087964.
Genomic context (GRCh38, chr15:84,862,425, plus strand): 5'-GCTTAGGACGCATTTGTGGAAGGCAGGGGTTATGTGATGGATACCACATGGGTACCGCTA[G>C]ATGGCAGGGGTTGAATCAAATAGAGTTTCTGCCCCAAGGAGCTCATAGTCTGGTGGGGAC-3'

ClinVar aggregate classification (germline): Benign (1 of 4 stars; one submission).

Allele frequency attached by ClinVar (database versions not stated): TOPMed 0.05575; gnomAD 0.05669 and 0.05863; 1000 Genomes Project 30x 0.08838; 1000 Genomes Project 0.09265.
gnomAD v4.1: 8,878 of 152,130 alleles (5.8%); highest among the groups gnomAD compares: East Asian, 18%; 380 homozygotes.

Submission:

GeneDx
Classification: Benign. Last evaluated: 2018-06-14. Review status: criteria provided, single submitter. Criteria: GeneDx Variant Classification (06012015). Collection method: clinical testing. Allele origin: germline. Affected: yes.
Comment: This variant is considered likely benign or benign based on one or more of the following criteria: it is a conservative change, it occurs at a poorly conserved position in the protein, it is predicted to be benign by multiple in silico algorithms, and/or has population frequency not consistent with disease.